The following is an entry in ClinVar:

NM_003676.4(DEGS1):c.878G>A (p.Trp293Ter)

Gene: DEGS1 (delta 4-desaturase, sphingolipid 1; plus strand). Cytogenetic location: 1q42.11.
Variant type: single nucleotide variant.
Coding change: c.878G>A on transcript NM_003676.4 (MANE Select); coding-DNA position 878, G replaced by A.
Protein change: p.Trp293Ter; replaces tryptophan 293 with a stop codon.
Molecular consequence: nonsense. On other transcripts: 3 prime UTR variant (1).
Genome position (GRCh38, 1-based): chr1:224,192,384, G>A. VCF-style: chr1-224192384-G-A. GRCh37 (hg19) VCF-style: chr1-224380086-G-A.
Other names: c.*76G>A (NM_001321541.2); c.770G>A, p.Trp257Ter (NM_001321542.2); short protein forms W293*, W257*.
Identifiers: ClinVar variation 805857 (VCV000805857.1), dbSNP rs1572045183, ClinGen allele CA344710753.
Genomic context (GRCh38, chr1:224,192,384, plus strand): 5'-CCTTCTAGGTGAGGAAAATAGCAGCTGAATACTATGACAACCTCCCTCACTACAATTCCT[G>A]GATAAAAGTACTGTATGATTTTGTGATGGATGATACAATAAGTCCCTACTCAAGAATGAA-3'

ClinVar aggregate classification (germline): Uncertain significance (1 of 4 stars; one submission).

Conditions:
Leukodystrophy, hypomyelinating, 18. Identifiers: MedGen C5193078, MONDO:0032730, OMIM 618404.

Allele frequency attached by ClinVar (database versions not stated): gnomAD exomes below 0.00001.

Submission:

SIB Swiss Institute of Bioinformatics
Classification: Uncertain significance for Leukodystrophy, hypomyelinating, 18. Last evaluated: 2019-09-25. Review status: criteria provided, single submitter. Criteria: ACMG Guidelines, 2015. Collection method: curation. Allele origin: unknown.
Comment: This variant is interpreted as a variant of uncertain significance for Leukodystrophy, hypomyelinating, 18, autosomal recessive. The following ACMG Tag(s) were applied: PM2, PVS1-Moderate.

Literature cited by the submitters: PubMed 30620337.